The following is an entry in ClinVar:

NM_177438.3(DICER1):c.5095G>A (p.Asp1699Asn)

Gene: DICER1 (dicer 1, ribonuclease III; minus strand). Cytogenetic location: 14q32.13.
Variant type: single nucleotide variant.
Coding change: c.5095G>A on transcript NM_177438.3 (MANE Select); coding-DNA position 5095, G replaced by A.
Protein change: p.Asp1699Asn; replaces aspartic acid 1699 with asparagine.
Molecular consequence: missense variant. On other transcripts: non-coding transcript variant (6).
Genome position (GRCh38, 1-based): chr14:95,095,825, C>T on the plus strand (G>A on the coding strand, the complement: DICER1 is on the minus strand). VCF-style: chr14-95095825-C-T. GRCh37 (hg19) VCF-style: chr14-95562162-C-T.
Other names: c.5095G>A, p.Asp1699Asn (NM_001195573.1, NM_001271282.3, NM_001291628.2 and 9 more transcripts); c.4813G>A, p.Asp1605Asn (NM_001395686.1); c.4690G>A, p.Asp1564Asn (NM_001395687.1, NM_001395688.1, NM_001395689.1 and 1 more transcripts); c.4528G>A, p.Asp1510Asn (NM_001395691.1); c.5095G>A, p.Gly1699Ser (NM_001395692.1, NM_001395693.1, NM_001395694.1 and 1 more transcripts); c.4690G>A, p.Gly1564Ser (NM_001395696.1); c.3412G>A, p.Asp1138Asn (NM_001395697.1); short protein forms D1138N, D1510N, D1564N, D1605N, D1699N, G1564S, G1699S.
Identifiers: ClinVar variation 3229426 (VCV003229426.4), dbSNP rs1890255915, ClinGen allele CA390865846.
Genomic context (GRCh38, chr14:95,095,825, plus strand): 5'-GATGAGATCAACACAAAGTCTCATTTTCCCAGAAATGAAGTCTGGTCGTGGGCTCCTTAC[C>T]AGTGATAGTATTGTAGTGGTAGGAGGCATGTGTAAAAGCCTGGAGAAGGTAAGCCTTATT-3'
Protein context (NP_803187.1, residues 1689-1709): HASYHYNTIT[Asp1699Asn]CYQRLEFLGD

ClinVar aggregate classification (germline): Uncertain significance. Review status: criteria provided, multiple submitters, no conflicts (2 of 4 stars). 2 submissions from 2 submitters: Uncertain significance (2). Last evaluated 2024-02-10.

Conditions:
Hereditary cancer-predisposing syndrome. Also called: Tumor predisposition; Hereditary Cancer Syndrome; Hereditary neoplastic syndrome; Neoplastic Syndromes, Hereditary. Identifiers: Orphanet 140162, MedGen C0027672, MeSH D009386, MONDO:0015356.
DICER1-related tumor predisposition. Also called: DICER1-related pleuropulmonary blastoma cancer predisposition syndrome; DICER1 syndrome. Identifiers: Orphanet 284343, MedGen C3839822, MONDO:0100216.

Allele frequency attached by ClinVar (database versions not stated): gnomAD exomes below 0.00001; TOPMed below 0.00001.
gnomAD v4.1: 1 of 1,614,020 alleles (0.000062%); highest among the groups gnomAD compares: Non-Finnish European, 0.000085%; no homozygotes.

Submissions (3):

Labcorp Genetics (formerly Invitae), Labcorp
Classification: Uncertain significance for DICER1-related tumor predisposition. Last evaluated: 2024-02-10. Review status: criteria provided, single submitter. Criteria: Invitae Variant Classification Sherloc (09022015). Collection method: clinical testing. Allele origin: germline.
Comment: This sequence change replaces aspartic acid, which is acidic and polar, with asparagine, which is neutral and polar, at codon 1699 of the DICER1 protein (p.Asp1699Asn). This variant also falls at the last nucleotide of exon 23, which is part of the consensus splice site for this exon. This variant is not present in population databases (gnomAD no frequency). This variant has not been reported in the literature in individuals affected with DICER1-related conditions. An algorithm developed to predict the effect of missense changes on protein structure and function (PolyPhen-2) suggests that this variant is likely to be tolerated. Variants that disrupt the consensus splice site are a relatively common cause of aberrant splicing (PMID: 17576681, 9536098). Algorithms developed to predict the effect of sequence changes on RNA splicing suggest that this variant may disrupt the consensus splice site. In summary, the available evidence is currently insufficient to determine the role of this variant in disease. Therefore, it has been classified as a Variant of Uncertain Significance.

Ambry Genetics
Classification: Uncertain significance for Hereditary cancer-predisposing syndrome. Last evaluated: 2024-01-31. Review status: criteria provided, single submitter. Criteria: Ambry Variant Classification Scheme 2023. Collection method: clinical testing. Allele origin: germline.
Comment: The p.D1699N variant (also known as c.5095G>A), located in coding exon 22 of the DICER1 gene, results from a G to A substitution at nucleotide position 5095. The aspartic acid at codon 1699 is replaced by asparagine, an amino acid with highly similar properties. However, this change occurs in the last base pair of coding exon 22, which makes it likely to have some effect on normal mRNA splicing. This nucleotide position is highly conserved in available vertebrate species. This amino acid position is highly conserved in available vertebrate species. In silico splice site analysis predicts that this alteration will weaken the native splice donor site. In addition, as a missense substitution this is predicted to be tolerated by in silico analysis. Based on the available evidence, the clinical significance of this alteration remains unclear.

Dr. Peter K. Rogan Lab, Western University
No classification provided (evidence only). Condition: Familial prostate cancer. Review status: no classification provided. Collection method: in vitro. Allele origin: not applicable. Functional consequence: retained intron. Not counted in ClinVar's aggregate classification.

Literature cited by the submitters: PubMed 17576681 (cited by Labcorp Genetics (formerly Invitae), Labcorp); PubMed 9536098 (cited by Labcorp Genetics (formerly Invitae), Labcorp).